The following is an entry in ClinVar:

ClinVar aggregate classification (germline): Conflicting classifications of pathogenicity. Review status: criteria provided, conflicting classifications (1 of 4 stars). 2 submissions from 2 submitters: Uncertain significance (1); Likely benign (1). Last evaluated 2025-04-07.

Conditions:
Pulmonary fibrosis and/or bone marrow failure, Telomere-related, 3. Also called: PULMONARY FIBROSIS AND/OR BONE MARROW FAILURE SYNDROME, TELOMERE-RELATED, 3. Identifiers: Orphanet 2032, MedGen C4225346, MONDO:0014613, OMIM 616373.
Dyskeratosis congenita, autosomal recessive 5 (DKCB5). Identifiers: MedGen C3554656, MONDO:0014076, OMIM 615190.

Allele frequency attached by ClinVar (database versions not stated): gnomAD 0.00001; gnomAD exomes 0.00001 and below 0.00001; ExAC 0.00001.
gnomAD v4.1: 10 of 1,613,906 alleles (0.00062%); highest among the groups gnomAD compares: Middle Eastern, 0.016%; no homozygotes.

Submissions (2):

GeneDx
Classification: Uncertain significance. Last evaluated: 2025-04-07. Review status: criteria provided, single submitter. Criteria: GeneDx Variant Classification Process June 2021. Collection method: clinical testing. Allele origin: germline.
Comment: Not observed at significant frequency in large population cohorts (gnomAD); Has not been previously published as pathogenic or benign to our knowledge; In silico analysis is inconclusive as to whether the variant alters gene splicing. In the absence of RNA/functional studies, the actual effect of this sequence change is unknown.

Labcorp Genetics (formerly Invitae), Labcorp
Classification: Likely benign for Dyskeratosis congenita, autosomal recessive 5; Pulmonary fibrosis and/or bone marrow failure, Telomere-related, 3. Last evaluated: 2024-09-09. Review status: criteria provided, single submitter. Criteria: Invitae Variant Classification Sherloc (09022015). Collection method: clinical testing. Allele origin: germline.

NM_001283009.2(RTEL1):c.333C>T (p.Tyr111=)

Genes: RTEL1 (regulator of telomere elongation helicase 1; plus strand), RTEL1-TNFRSF6B (RTEL1-TNFRSF6B readthrough (NMD candidate); plus strand). Cytogenetic location: 20q13.33.
Variant type: single nucleotide variant.
Coding change: c.333C>T on transcript NM_001283009.2 (MANE Select); coding-DNA position 333, C replaced by T.
Protein change: p.Tyr111=; no amino-acid change (tyrosine 111 retained).
Molecular consequence: synonymous variant. On other transcripts: non-coding transcript variant (1), 5 prime UTR variant (1).
Genome position (GRCh38, 1-based): chr20:63,661,881, C>T. VCF-style: chr20-63661881-C-T. GRCh37 (hg19) VCF-style: chr20-62293234-C-T.
Other names: c.-337C>T (NM_001283010.1); c.333C>T, p.Tyr111= (NM_016434.4, NM_032957.5); c.333C>T (NM_032957.4).
Identifiers: ClinVar variation 1102449 (VCV001102449.11), dbSNP rs749496657, ClinGen allele CA9964183.